The following is an entry in ClinVar:

ClinVar aggregate classification (germline): Pathogenic (1 of 4 stars; one submission).

Conditions:
Arrhythmogenic right ventricular dysplasia 9 (ARVD9). Also called: Arrhythmogenic Right Ventricular Dysplasia/Cardiomyopathy 9; ARRHYTHMOGENIC RIGHT VENTRICULAR DYSPLASIA, FAMILIAL, 9. Identifiers: MedGen C1836906, MONDO:0012180, OMIM 609040.

Submission:

Labcorp Genetics (formerly Invitae), Labcorp
Classification: Pathogenic for Arrhythmogenic right ventricular dysplasia 9. Last evaluated: 2022-07-29. Review status: criteria provided, single submitter. Criteria: Invitae Variant Classification Sherloc (09022015). Collection method: clinical testing. Allele origin: germline.
Comment: This variant is a gross deletion of the genomic region encompassing exon(s) 1-3 of the PKP2 gene, which includes the initiator codon. This deletion extends beyond the assayed region for this gene and therefore may encompass additional genes. It is expected to result in an absent or disrupted protein product. Loss-of-function variants in PKP2 are known to be pathogenic (PMID: 15489853, 23911551). For these reasons, this variant has been classified as Pathogenic. This variant has not been reported in the literature in individuals affected with PKP2-related conditions.

Literature cited by the submitters: PubMed 15489853; PubMed 23911551.

NC_000012.11:g.(?_33030760)_(33049665_?)del

Gene: PKP2 (plakophilin 2; minus strand). Cytogenetic location: 12p11.21.
Variant type: Deletion.
Identifiers: ClinVar variation 1453476 (VCV001453476.5).